The following is an entry in ClinVar:

NM_000051.4(ATM):c.8143C>T (p.Leu2715Phe)

Genes: ATM (ATM serine/threonine kinase; plus strand), C11orf65 (chromosome 11 open reading frame 65; minus strand). Cytogenetic location: 11q22.3.
Variant type: single nucleotide variant.
Coding change: c.8143C>T on transcript NM_000051.4 (MANE Select); coding-DNA position 8143, C replaced by T.
Protein change: p.Leu2715Phe; replaces leucine 2715 with phenylalanine.
Molecular consequence: missense variant. On other transcripts: intron variant (2).
Genome position (GRCh38, 1-based): chr11:108,335,101, C>T. VCF-style: chr11-108335101-C-T. GRCh37 (hg19) VCF-style: chr11-108205828-C-T.
Other names: c.8143C>T, p.Leu2715Phe (NM_001351834.2); c.641-26030G>A (NM_001330368.2); c.*38+119G>A (NM_001351110.2); short protein forms L2715F.
Identifiers: ClinVar variation 827479 (VCV000827479.15), dbSNP rs1591192429, ClinGen allele CA382562248.

ClinVar aggregate classification (germline): Uncertain significance. Review status: criteria provided, multiple submitters, no conflicts (2 of 4 stars). 3 submissions from 3 submitters: Uncertain significance (3). Last evaluated 2025-11-30.

Conditions:
Hereditary cancer-predisposing syndrome. Also called: Tumor predisposition; Neoplastic Syndromes, Hereditary; Hereditary Cancer Syndrome; Hereditary neoplastic syndrome. Identifiers: Orphanet 140162, MedGen C0027672, MeSH D009386, MONDO:0015356.
Ataxia-telangiectasia syndrome (AT). Also called: ATAXIA-TELANGIECTASIA, COMPLEMENTATION GROUP A; ATAXIA-TELANGIECTASIA, FRESNO VARIANT; Ataxia-telangiectasia; Ataxia-telangiectasia, complementation group D; AT, COMPLEMENTATION GROUP C; Ataxia-telangiectasia, complementation group E. Identifiers: Orphanet 100, MedGen C0004135, MONDO:0008840, OMIM 208900.

Submissions (3):

Labcorp Genetics (formerly Invitae), Labcorp
Classification: Uncertain significance for Ataxia-telangiectasia syndrome. Last evaluated: 2025-11-30. Review status: criteria provided, single submitter. Criteria: Invitae Variant Classification Sherloc (09022015). Collection method: clinical testing. Allele origin: germline.
Comment: This sequence change replaces leucine, which is neutral and non-polar, with phenylalanine, which is neutral and non-polar, at codon 2715 of the ATM protein (p.Leu2715Phe). This variant is not present in population databases (gnomAD no frequency). This variant has not been reported in the literature in individuals affected with ATM-related conditions. ClinVar contains an entry for this variant (Variation ID: 827479). Invitae Evidence Modeling of protein sequence and biophysical properties (such as structural, functional, and spatial information, amino acid conservation, physicochemical variation, residue mobility, and thermodynamic stability) indicates that this missense variant is expected to disrupt ATM protein function with a positive predictive value of 95%. In summary, the available evidence is currently insufficient to determine the role of this variant in disease. Therefore, it has been classified as a Variant of Uncertain Significance.

Ambry Genetics
Classification: Uncertain significance for Hereditary cancer-predisposing syndrome. Last evaluated: 2025-11-29. Review status: criteria provided, single submitter. Criteria: Ambry Variant Classification Scheme 2023. Collection method: clinical testing. Allele origin: germline.
Comment: The p.L2715F variant (also known as c.8143C>T), located in coding exon 54 of the ATM gene, results from a C to T substitution at nucleotide position 8143. The leucine at codon 2715 is replaced by phenylalanine, an amino acid with highly similar properties. This amino acid position is highly conserved in available vertebrate species. In addition, this alteration is predicted to be deleterious by in silico analysis. Since supporting evidence is limited at this time, the clinical significance of this alteration remains unclear.

Color Diagnostics, LLC DBA Color Health
Classification: Uncertain significance for Hereditary cancer-predisposing syndrome. Last evaluated: 2024-03-06. Review status: criteria provided, single submitter. Criteria: ACMG Guidelines, 2015. Collection method: clinical testing. Allele origin: germline.
Comment: This missense variant replaces leucine with phenylalanine at codon 2715 of the ATM protein. Computational prediction suggests that this variant may have deleterious impact on protein structure and function (internally defined REVEL score threshold >= 0.7, PMID: 27666373). To our knowledge, functional studies have not been reported for this variant. This variant has not been reported in individuals affected with hereditary cancer in the literature. This variant has not been identified in the general population by the Genome Aggregation Database (gnomAD). The available evidence is insufficient to determine the role of this variant in disease conclusively. Therefore, this variant is classified as a Variant of Uncertain Significance.